The following is an entry in ClinVar:

ClinVar aggregate classification (germline): Pathogenic (1 of 4 stars; one submission).

Conditions:
Retinoblastoma (RB1). Also called: RETINOBLASTOMA, SOMATIC. Identifiers: Orphanet 790, MedGen C0035335, MeSH D012175, MONDO:0008380, OMIM 180200, HP:0009919. Disease mechanism: loss of function. Inheritance: Both sporadic and heritable forms are tested..

Submission:

Labcorp Genetics (formerly Invitae), Labcorp
Classification: Pathogenic for Retinoblastoma. Last evaluated: 2018-09-29. Review status: criteria provided, single submitter. Criteria: Invitae Variant Classification Sherloc (09022015). Collection method: clinical testing. Allele origin: germline.
Comment: This variant has not been reported in the literature in individuals with RB1-related disease. This sequence change creates a premature translational stop signal (p.Lys720Asnfs*4) in the RB1 gene. It is expected to result in an absent or disrupted protein product. This variant is not present in population databases (ExAC no frequency). Loss-of-function variants in RB1 are known to be pathogenic (PMID: 17096365). For these reasons, this variant has been classified as Pathogenic.

Literature cited by the submitters: PubMed 17096365.

NM_000321.3(RB1):c.2160_2167delinsC (p.Lys720fs)

Gene: RB1 (RB transcriptional corepressor 1; plus strand). Cytogenetic location: 13q14.2.
Variant type: Indel.
Coding change: c.2160_2167delinsC on transcript NM_000321.3 (MANE Select); coding-DNA positions 2160 to 2167, ATTCAAAA replaced by C.
Protein change: p.Lys720fs; shifts the reading frame from lysine 720.
Molecular consequence: frameshift variant.
Genome position (GRCh38, 1-based): chr13:48,463,784-48,463,791, ATTCAAAA replaced by C. VCF-style: chr13-48463784-ATTCAAAA-C. GRCh37 (hg19) VCF-style: chr13-49037920-ATTCAAAA-C.
Other names: short protein forms K720fs.
Identifiers: ClinVar variation 653255 (VCV000653255.5), dbSNP rs1593538175, ClinGen allele CA915948567.